The following is an entry in ClinVar:

ClinVar aggregate classification (germline): Pathogenic (1 of 4 stars; one submission).

Conditions:
Cystic fibrosis (CF). Also called: MUCOVISCIDOSIS. Identifiers: Orphanet 586, MedGen C0010674, MONDO:0009061, OMIM 219700. Disease mechanism: loss of function.

Submission:

Labcorp Genetics (formerly Invitae), Labcorp
Classification: Pathogenic for Cystic fibrosis. Last evaluated: 2024-12-02. Review status: criteria provided, single submitter. Criteria: Invitae Variant Classification Sherloc (09022015). Collection method: clinical testing. Allele origin: germline.
Comment: This sequence change creates a premature translational stop signal (p.Leu957Phefs*11) in the CFTR gene. It is expected to result in an absent or disrupted protein product. Loss-of-function variants in CFTR are known to be pathogenic (PMID: 1695717, 7691345, 9725922). This variant is not present in population databases (gnomAD no frequency). This premature translational stop signal has been observed in individual(s) with idiopathic chronic pancreatitis (PMID: 25492507). Algorithms developed to predict the effect of sequence changes on RNA splicing suggest that this variant may disrupt the consensus splice site. For these reasons, this variant has been classified as Pathogenic.

Literature cited by the submitters: PubMed 1695717; PubMed 7691345; PubMed 9725922; PubMed 25492507.

NM_000492.4(CFTR):c.2869del (p.Leu957fs)

Gene: CFTR (CF transmembrane conductance regulator; plus strand). Cytogenetic location: 7q31.2.
Variant type: Deletion.
Coding change: c.2869del on transcript NM_000492.4 (MANE Select); coding-DNA position 2869, one base deleted (C; older notation c.2869delC).
Protein change: p.Leu957fs; shifts the reading frame from leucine 957.
Molecular consequence: frameshift variant.
Genome position (GRCh38, 1-based): chr7:117,603,743, C deleted. VCF-style (leftmost placement, unchanged base first): chr7-117603742-TC-T. GRCh37 (hg19) VCF-style: chr7-117243796-TC-T.
Other names: short protein forms L957fs.
Identifiers: ClinVar variation 3720770 (VCV003720770.2).